The following is an entry in ClinVar:

NM_015295.3(SMCHD1):c.4516C>T (p.Arg1506Cys)

Gene: SMCHD1 (structural maintenance of chromosomes flexible hinge domain containing 1; plus strand). Cytogenetic location: 18p11.32.
Variant type: single nucleotide variant.
Coding change: c.4516C>T on transcript NM_015295.3 (MANE Select); coding-DNA position 4516, C replaced by T.
Protein change: p.Arg1506Cys; replaces arginine 1506 with cysteine.
Molecular consequence: missense variant.
Genome position (GRCh38, 1-based): chr18:2,762,186, C>T. VCF-style: chr18-2762186-C-T. GRCh37 (hg19) VCF-style: chr18-2762184-C-T.
Other names: short protein forms R1506C.
Identifiers: ClinVar variation 4741904 (VCV004741904.1).

ClinVar aggregate classification (germline): Uncertain significance (1 of 4 stars; one submission).

Conditions:
Facioscapulohumeral muscular dystrophy 2 (FSHD2). Also called: MUSCULAR DYSTROPHY, FACIOSCAPULOHUMERAL, TYPE 1B; FACIOSCAPULOHUMERAL MUSCULAR DYSTROPHY 2, DIGENIC; FSHD2, DIGENIC. Identifiers: Orphanet 269, MedGen C1834671, MONDO:0008031, OMIM 158901.

gnomAD v4.1: 4 of 1,613,458 alleles (0.00025%); highest among the groups gnomAD compares: African/African-American, 0.0027%; no homozygotes.

Submission:

Labcorp Genetics (formerly Invitae), Labcorp
Classification: Uncertain significance for Facioscapulohumeral muscular dystrophy 2. Last evaluated: 2025-08-05. Review status: criteria provided, single submitter. Criteria: Invitae Variant Classification Sherloc (09022015). Collection method: clinical testing. Allele origin: germline.
Comment: This sequence change replaces arginine, which is basic and polar, with cysteine, which is neutral and slightly polar, at codon 1506 of the SMCHD1 protein (p.Arg1506Cys). This variant is not present in population databases (gnomAD no frequency). This variant has not been reported in the literature in individuals affected with SMCHD1-related conditions. Invitae Evidence Modeling of protein sequence and biophysical properties (such as structural, functional, and spatial information, amino acid conservation, physicochemical variation, residue mobility, and thermodynamic stability) indicates that this missense variant is not expected to disrupt SMCHD1 protein function with a negative predictive value of 80%. In summary, the available evidence is currently insufficient to determine the role of this variant in disease. Therefore, it has been classified as a Variant of Uncertain Significance.